The following is an entry in ClinVar:

ClinVar aggregate classification (germline): Uncertain significance (1 of 4 stars; one submission).

Conditions:
Joubert syndrome 18 (JBTS18). Identifiers: Orphanet 2754, MedGen C3553758, MONDO:0013896, OMIM 614815.
Orofacial-digital syndrome IV (OFD4). Also called: BARAITSER-BURN SYNDROME; OFD SYNDROME WITH TIBIAL DEFECTS; OFD SYNDROME, BARAITSER-BURN TYPE; OFDS IV; ORAL-FACIAL-DIGITAL SYNDROME, TYPE IV; Orofaciodigital syndrome IV. Identifiers: Orphanet 2753, MedGen C0406727, MONDO:0009794, OMIM 258860.

Allele frequency attached by ClinVar (database versions not stated): TOPMed below 0.00001; gnomAD 0.00001.
gnomAD v4.1: 1 of 1,551,504 alleles (0.000064%); highest among the groups gnomAD compares: Non-Finnish European, 0.000087%; no homozygotes.

Submission:

Labcorp Genetics (formerly Invitae), Labcorp
Classification: Uncertain significance for Joubert syndrome 18; Orofacial-digital syndrome IV. Last evaluated: 2022-05-17. Review status: criteria provided, single submitter. Criteria: Invitae Variant Classification Sherloc (09022015). Collection method: clinical testing. Allele origin: germline.
Comment: This sequence change replaces leucine, which is neutral and non-polar, with proline, which is neutral and non-polar, at codon 6 of the TCTN3 protein (p.Leu6Pro). This variant is not present in population databases (gnomAD no frequency). This variant has not been reported in the literature in individuals affected with TCTN3-related conditions. Algorithms developed to predict the effect of missense changes on protein structure and function are either unavailable or do not agree on the potential impact of this missense change (SIFT: "Deleterious"; PolyPhen-2: "Possibly Damaging"; Align-GVGD: "Class C0"). In summary, the available evidence is currently insufficient to determine the role of this variant in disease. Therefore, it has been classified as a Variant of Uncertain Significance.

NM_015631.6(TCTN3):c.17T>C (p.Leu6Pro)

Genes: TCTN3 (tectonic family member 3; minus strand), LOC130004408 (ATAC-STARR-seq lymphoblastoid active region 3801; plus strand). Cytogenetic location: 10q24.1.
Variant type: single nucleotide variant.
Coding change: c.17T>C on transcript NM_015631.6 (MANE Select); coding-DNA position 17, T replaced by C.
Protein change: p.Leu6Pro; replaces leucine 6 with proline.
Molecular consequence: missense variant.
Genome position (GRCh38, 1-based): chr10:95,693,883, A>G on the plus strand (T>C on the coding strand, the complement: TCTN3 is on the minus strand). VCF-style: chr10-95693883-A-G. GRCh37 (hg19) VCF-style: chr10-97453640-A-G.
Other names: c.71T>C, p.Leu24Pro (NM_001013840.1); c.17T>C, p.Leu6Pro (NM_001143973.2, NM_001410982.1); short protein forms L6P, L24P.
Identifiers: ClinVar variation 1995744 (VCV001995744.4), dbSNP rs990875124, ClinGen allele CA211808618.
Genomic context (GRCh38, chr10:95,693,883, plus strand): 5'-GAAGAGGGCTGAGGCCGGACGCCATCGGGGAACACCAGAAAGAACACTTGCAGGAGCGCG[A>G]GCTGTGGGGTGCGCATGGGGCATTCAGGGCCTCCGGGTCCGACGTAGGCCTCCGCGGTCT-3'
Protein context (NP_056446.4, residues 1-16): MRTPQ[Leu6Pro]ALLQVFFLVF